The following is an entry in ClinVar:

ClinVar aggregate classification (germline): Uncertain significance. Review status: criteria provided, multiple submitters, no conflicts (2 of 4 stars). 2 submissions from 2 submitters: Uncertain significance (2). Last evaluated 2024-12-07.

Conditions:
Inborn genetic diseases. Identifiers: MedGen C0950123, MeSH D030342.

gnomAD v4.1: 15 of 1,613,312 alleles (0.00093%); highest among the groups gnomAD compares: Non-Finnish European, 0.0013%; no homozygotes.

Submissions (2):

Ambry Genetics
Classification: Uncertain significance for Inborn genetic diseases. Last evaluated: 2024-12-07. Review status: criteria provided, single submitter. Criteria: Ambry Variant Classification Scheme 2023. Collection method: clinical testing. Allele origin: germline.
Comment: The p.K889Q variant (also known as c.2665A>C), located in coding exon 1 of the SAMD9 gene, results from an A to C substitution at nucleotide position 2665. The lysine at codon 889 is replaced by glutamine, an amino acid with similar properties. This amino acid position is conserved. In addition, this alteration is predicted to be tolerated by in silico analysis. Based on the available evidence, the clinical significance of this variant remains unclear.

GeneDx
Classification: Uncertain significance. Last evaluated: 2024-10-21. Review status: criteria provided, single submitter. Criteria: GeneDx Variant Classification Process June 2021. Collection method: clinical testing. Allele origin: germline. Affected: yes.
Comment: Not observed at significant frequency in large population cohorts (gnomAD); In silico analysis indicates that this missense variant does not alter protein structure/function; Has not been previously published as pathogenic or benign to our knowledge; This variant is associated with the following publications: (PMID: 28545555)

NM_017654.4(SAMD9):c.2665A>C (p.Lys889Gln)

Gene: SAMD9 (sterile alpha motif domain containing 9; minus strand). Cytogenetic location: 7q21.2.
Variant type: single nucleotide variant.
Coding change: c.2665A>C on transcript NM_017654.4 (MANE Select); coding-DNA position 2665, A replaced by C.
Protein change: p.Lys889Gln; replaces lysine 889 with glutamine.
Molecular consequence: missense variant.
Genome position (GRCh38, 1-based): chr7:93,103,433, T>G on the plus strand (A>C on the coding strand, the complement: SAMD9 is on the minus strand). VCF-style: chr7-93103433-T-G. GRCh37 (hg19) VCF-style: chr7-92732746-T-G.
Other names: c.2665A>C, p.Lys889Gln (NM_001193307.2); short protein forms K889Q.
Identifiers: ClinVar variation 3437094 (VCV003437094.2).